The following is an entry in ClinVar:

NM_001983.4(ERCC1):c.796G>A (p.Ala266Thr)

Gene: ERCC1 (ERCC excision repair 1, endonuclease non-catalytic subunit; minus strand). Cytogenetic location: 19q13.32.
Variant type: single nucleotide variant.
Coding change: c.796G>A on transcript NM_001983.4 (MANE Select); coding-DNA position 796, G replaced by A.
Protein change: p.Ala266Thr; replaces alanine 266 with threonine.
Molecular consequence: missense variant.
Genome position (GRCh38, 1-based): chr19:45,413,724, C>T on the plus strand (G>A on the coding strand, the complement: ERCC1 is on the minus strand). VCF-style: chr19-45413724-C-T. GRCh37 (hg19) VCF-style: chr19-45916982-C-T.
Other names: c.724G>A, p.Ala242Thr (NM_001166049.2, NM_001369410.1, NM_001369411.1 and 3 more transcripts); c.796G>A, p.Ala266Thr (NM_001369408.1, NM_001369409.1, NM_001369412.1 and 5 more transcripts); short protein forms A266T, A242T.
Identifiers: ClinVar variation 592147 (VCV000592147.15), dbSNP rs3212977, ClinGen allele CA9515277.

ClinVar aggregate classification (germline): Conflicting classifications of pathogenicity. Review status: criteria provided, conflicting classifications (1 of 4 stars). 5 submissions from 5 submitters: Uncertain significance (1); Benign (1); Likely benign (1). 2 of the submissions do not count toward it. Last evaluated 2026-05-01.

Conditions:
ERCC1-related disorder. Also called: ERCC1-related condition.
Cerebrooculofacioskeletal syndrome 4 (COFS4). Identifiers: MedGen C1853100, MONDO:0012554, OMIM 610758.

Allele frequency attached by ClinVar (database versions not stated): gnomAD 0.00150; 1000 Genomes Project 0.00180; 1000 Genomes Project 30x 0.00203; gnomAD exomes 0.00037; TOPMed 0.00157; ESP Exome Variant Server 0.00185.
gnomAD v4.1: 433 of 1,613,706 alleles (0.027%); highest among the groups gnomAD compares: African/African-American, 0.51%; 1 homozygote.

Submissions (5):

Dasa
Classification: Benign. Last evaluated: 2026-05-01. Review status: criteria provided, single submitter. Criteria: DASA Assertion Criteria. Collection method: clinical testing. Allele origin: germline.
Comment: NM_001983.4(ERCC1):c.796G>A (p.Ala266Thr) is interpreted as benign based on a combination of available evidence, including population frequency. Based on the available data, this variant is classified as benign.

Labcorp Genetics (formerly Invitae), Labcorp
Classification: Likely benign. Last evaluated: 2026-01-19. Review status: criteria provided, single submitter. Criteria: Invitae Variant Classification Sherloc (09022015). Collection method: clinical testing. Allele origin: germline.

GeneDx
Classification: Uncertain significance. Last evaluated: 2021-08-12. Review status: criteria provided, single submitter. Criteria: GeneDx Variant Classification Process June 2021. Collection method: clinical testing. Allele origin: germline. Affected: yes.
Comment: Has not been previously published as pathogenic or benign to our knowledge; In silico analysis supports that this missense variant has a deleterious effect on protein structure/function

PreventionGenetics, part of Exact Sciences
Classification: Likely benign for ERCC1-related condition. Last evaluated: 2022-06-06. Review status: no assertion criteria provided. Collection method: clinical testing. Allele origin: germline. Not counted in ClinVar's aggregate classification.
Comment: This variant is classified as likely benign based on ACMG/AMP sequence variant interpretation guidelines (Richards et al. 2015 PMID: 25741868, with internal and published modifications).

Biochemical Molecular Genetic Laboratory, King Abdulaziz Medical City
Classification: Uncertain significance for Cerebrooculofacioskeletal syndrome 4. Last evaluated: 2018-08-09. Review status: no assertion criteria provided. Collection method: clinical testing. Allele origin: germline. Affected: yes. Not counted in ClinVar's aggregate classification.